The following is an entry in ClinVar:

NM_001384732.1(CPLANE1):c.1012C>G (p.Leu338Val)

Gene: CPLANE1 (ciliogenesis and planar polarity effector complex subunit 1; minus strand). Cytogenetic location: 5p13.2.
Variant type: single nucleotide variant.
Coding change: c.1012C>G on transcript NM_001384732.1 (MANE Select); coding-DNA position 1012, C replaced by G.
Protein change: p.Leu338Val; replaces leucine 338 with valine.
Molecular consequence: missense variant.
Genome position (GRCh38, 1-based): chr5:37,230,976, G>C on the plus strand (C>G on the coding strand, the complement: CPLANE1 is on the minus strand). VCF-style: chr5-37230976-G-C. GRCh37 (hg19) VCF-style: chr5-37231078-G-C.
Other names: c.1012C>G, p.Leu338Val (NM_023073.4); short protein forms L338V.
Identifiers: ClinVar variation 2113875 (VCV002113875.4), dbSNP rs1004787837, ClinGen allele CA117060363.

ClinVar aggregate classification (germline): Uncertain significance (1 of 4 stars; one submission).

Allele frequency attached by ClinVar (database versions not stated): TOPMed below 0.00001.

Submission:

Labcorp Genetics (formerly Invitae), Labcorp
Classification: Uncertain significance. Last evaluated: 2022-03-18. Review status: criteria provided, single submitter. Criteria: Invitae Variant Classification Sherloc (09022015). Collection method: clinical testing. Allele origin: germline.
Comment: In summary, the available evidence is currently insufficient to determine the role of this variant in disease. Therefore, it has been classified as a Variant of Uncertain Significance. Advanced modeling of protein sequence and biophysical properties (such as structural, functional, and spatial information, amino acid conservation, physicochemical variation, residue mobility, and thermodynamic stability) performed at Invitae indicates that this missense variant is not expected to disrupt CPLANE1 protein function. This variant has not been reported in the literature in individuals affected with CPLANE1-related conditions. This variant is not present in population databases (gnomAD no frequency). This sequence change replaces leucine, which is neutral and non-polar, with valine, which is neutral and non-polar, at codon 338 of the CPLANE1 protein (p.Leu338Val).